The following is an entry in ClinVar:

ClinVar aggregate classification (germline): Uncertain significance. Review status: criteria provided, multiple submitters, no conflicts (2 of 4 stars). 2 submissions from 2 submitters: Uncertain significance (2). Last evaluated 2025-08-15.

Conditions:
RYR1-related disorder. Also called: RYR1-related condition; RYR1-related disorders. Identifiers: MedGen CN239331.
Malignant hyperthermia, susceptibility to, 1 (MHS1). Also called: Anesthesia related hyperthermia; Malignant hyperpyrexia; Fulminating hyperpyrexia; Pharmacogenic myopathy; RYR1-Related Malignant Hyperthermia Susceptibility; Malignant hyperthermia suceptibility 1. Identifiers: Orphanet 423, MedGen C2930980, MONDO:0007783, OMIM 145600.

Allele frequency attached by ClinVar (database versions not stated): gnomAD exomes 0.00001.
gnomAD v4.1: 3 of 1,613,758 alleles (0.00019%); highest among the groups gnomAD compares: South Asian, 0.0011%; no homozygotes.

Submissions (2):

Color Diagnostics, LLC DBA Color Health
Classification: Uncertain significance for Malignant hyperthermia, susceptibility to, 1. Last evaluated: 2025-08-15. Review status: criteria provided, single submitter. Criteria: ACMG Guidelines, 2015. Collection method: clinical testing. Allele origin: germline.
Comment: This missense variant replaces isoleucine with valine at codon 1744 of the RYR1 protein. Computational prediction suggests that this variant may not impact protein structure and function. To our knowledge, functional studies have not been reported for this variant. This variant has not been reported in individuals affected with RYR1-related disorders in the literature. This variant has not been identified in the general population by the Genome Aggregation Database (gnomAD). The available evidence is insufficient to determine the role of this variant in disease conclusively. Therefore, this variant is classified as a Variant of Uncertain Significance.

Labcorp Genetics (formerly Invitae), Labcorp
Classification: Uncertain significance for RYR1-related disorder. Last evaluated: 2022-10-15. Review status: criteria provided, single submitter. Criteria: Invitae Variant Classification Sherloc (09022015). Collection method: clinical testing. Allele origin: germline.
Comment: In summary, the available evidence is currently insufficient to determine the role of this variant in disease. Therefore, it has been classified as a Variant of Uncertain Significance. Advanced modeling of protein sequence and biophysical properties (such as structural, functional, and spatial information, amino acid conservation, physicochemical variation, residue mobility, and thermodynamic stability) performed at Invitae indicates that this missense variant is not expected to disrupt RYR1 protein function. ClinVar contains an entry for this variant (Variation ID: 1494373). This variant has not been reported in the literature in individuals affected with RYR1-related conditions. This variant is not present in population databases (gnomAD no frequency). This sequence change replaces isoleucine, which is neutral and non-polar, with valine, which is neutral and non-polar, at codon 1744 of the RYR1 protein (p.Ile1744Val).

NM_000540.3(RYR1):c.5230A>G (p.Ile1744Val)

Gene: RYR1 (ryanodine receptor 1; plus strand). Cytogenetic location: 19q13.2.
Variant type: single nucleotide variant.
Coding change: c.5230A>G on transcript NM_000540.3 (MANE Select); coding-DNA position 5230, A replaced by G.
Protein change: p.Ile1744Val; replaces isoleucine 1744 with valine.
Molecular consequence: missense variant.
Genome position (GRCh38, 1-based): chr19:38,485,885, A>G. VCF-style: chr19-38485885-A-G. GRCh37 (hg19) VCF-style: chr19-38976525-A-G.
Other names: c.5230A>G, p.Ile1744Val (NM_001042723.2); short protein forms I1744V.
Identifiers: ClinVar variation 1494373 (VCV001494373.8), dbSNP rs2145543717, ClinGen allele CA405654241.